The following is an entry in ClinVar:

NM_182961.4(SYNE1):c.14500C>T (p.Arg4834Ter)

Gene: SYNE1 (spectrin repeat containing nuclear envelope protein 1; minus strand). Cytogenetic location: 6q25.2.
Variant type: single nucleotide variant.
Coding change: c.14500C>T on transcript NM_182961.4 (MANE Select); coding-DNA position 14500, C replaced by T.
Protein change: p.Arg4834Ter; replaces arginine 4834 with a stop codon.
Molecular consequence: nonsense.
Genome position (GRCh38, 1-based): chr6:152,330,185, G>A on the plus strand (C>T on the coding strand, the complement: SYNE1 is on the minus strand). VCF-style: chr6-152330185-G-A. GRCh37 (hg19) VCF-style: chr6-152651320-G-A.
Other names: c.14287C>T, p.Arg4763Ter (NM_033071.5); c.14500C>T (NM_182961.2); short protein forms R4763*, R4834*.
Identifiers: ClinVar variation 1454758 (VCV001454758.7), dbSNP rs766129413, ClinGen allele CA4055994.

ClinVar aggregate classification (germline): Pathogenic. Review status: criteria provided, multiple submitters, no conflicts (2 of 4 stars). 2 submissions from 2 submitters: Pathogenic (2). Last evaluated 2022-10-26.

Conditions:
Emery-Dreifuss muscular dystrophy 4, autosomal dominant (EDMD4). Also called: EMERY-DREIFUSS MUSCULAR DYSTROPHY 4 WITH VARIABLE FEATURES. Identifiers: Orphanet 261, MedGen C2751807, MONDO:0013071, OMIM 612998.
Autosomal recessive ataxia, Beauce type. Also called: Spinocerebellar ataxia, autosomal recessive 8; ATAXIA, RECESSIVE, OF BEAUCE; SYNE1 Deficiency; SYNE1-Related Autosomal Recessive Cerebellar Ataxia. Identifiers: Orphanet 88644, MedGen C1853116, MONDO:0012549, OMIM 610743.

Allele frequency attached by ClinVar (database versions not stated): TOPMed below 0.00001; gnomAD 0.00001; gnomAD exomes 0.00001; ExAC 0.00002.
gnomAD v4.1: 10 of 1,614,040 alleles (0.00062%); highest among the groups gnomAD compares: South Asian, 0.0044%; no homozygotes.

Submissions (2):

Athena Diagnostics
Classification: Pathogenic. Last evaluated: 2022-10-26. Review status: criteria provided, single submitter. Criteria: Athena Diagnostics Criteria. Collection method: clinical testing. Allele origin: unknown.
Comment: This variant is expected to result in the loss of a functional protein. The frequency of this variant in the general population is consistent with pathogenicity. This variant has been identified in at least one individual with clinical features associated with this gene.

Labcorp Genetics (formerly Invitae), Labcorp
Classification: Pathogenic for Emery-Dreifuss muscular dystrophy 4, autosomal dominant; Autosomal recessive ataxia, Beauce type. Last evaluated: 2021-12-02. Review status: criteria provided, single submitter. Criteria: Invitae Variant Classification Sherloc (09022015). Collection method: clinical testing. Allele origin: germline.
Comment: For these reasons, this variant has been classified as Pathogenic. This variant has not been reported in the literature in individuals affected with SYNE1-related conditions. This variant is present in population databases (rs766129413, gnomAD 0.008%). This sequence change creates a premature translational stop signal (p.Arg4763*) in the SYNE1 gene. It is expected to result in an absent or disrupted protein product. Loss-of-function variants in SYNE1 are known to be pathogenic (PMID: 19542096, 24319099, 27086870).

Literature cited by the submitters: PubMed 19542096 (cited by Labcorp Genetics (formerly Invitae), Labcorp); PubMed 24319099 (cited by Labcorp Genetics (formerly Invitae), Labcorp); PubMed 27086870 (cited by Labcorp Genetics (formerly Invitae), Labcorp).